The following is an entry in ClinVar:

ClinVar aggregate classification (germline): Uncertain significance (1 of 4 stars; one submission).

Conditions:
Hereditary cancer-predisposing syndrome. Also called: Tumor predisposition; Hereditary Cancer Syndrome; Hereditary neoplastic syndrome; Neoplastic Syndromes, Hereditary. Identifiers: Orphanet 140162, MedGen C0027672, MeSH D009386, MONDO:0015356.

Submission:

Ambry Genetics
Classification: Uncertain significance for Hereditary cancer-predisposing syndrome. Last evaluated: 2021-04-19. Review status: criteria provided, single submitter. Criteria: Ambry Variant Classification Scheme 2023. Collection method: clinical testing. Allele origin: germline.
Comment: The p.R10W variant (also known as c.28C>T), located in coding exon 1 of the CDKN2A (p14ARF) gene, results from a C to T substitution at nucleotide position 28. The arginine at codon 10 is replaced by tryptophan, an amino acid with dissimilar properties. This amino acid position is highly conserved in available vertebrate species. In addition, this alteration is predicted to be deleterious by in silico analysis. Since supporting evidence is limited at this time, the clinical significance of this alteration remains unclear.

NM_058195.4(CDKN2A):c.28C>T (p.Arg10Trp)

Gene: CDKN2A (cyclin dependent kinase inhibitor 2A; minus strand). Cytogenetic location: 9p21.3.
Variant type: single nucleotide variant.
Coding change: c.28C>T on transcript NM_058195.4 (MANE Plus Clinical); coding-DNA position 28, C replaced by T.
Protein change: p.Arg10Trp; replaces arginine 10 with tryptophan.
Molecular consequence: missense variant. On other transcripts: intron variant (1).
Genome position (GRCh38, 1-based): chr9:21,994,304, G>A on the plus strand (C>T on the coding strand, the complement: CDKN2A is on the minus strand). VCF-style: chr9-21994304-G-A. GRCh37 (hg19) VCF-style: chr9-21994303-G-A.
Other names: c.-4+517C>T (NM_001363763.2); short protein forms R10W.
Identifiers: ClinVar variation 1797416 (VCV001797416.2), dbSNP rs1554659242, ClinGen allele CA373087084.